The following is an entry in ClinVar:

ClinVar aggregate classification (germline): Conflicting classifications of pathogenicity. Review status: criteria provided, conflicting classifications (1 of 4 stars). 4 submissions from 4 submitters: Likely pathogenic (3); Uncertain significance (1). Last evaluated 2026-08-04.

Conditions:
Knee dislocation. Identifiers: MedGen C0159970, HP:0004976.
Limited knee flexion/extension. Identifiers: MedGen C1968606, HP:0005085.
Patellar hypoplasia. Identifiers: MedGen C1840068, HP:0003065.
FLNB-related disorder. Also called: FLNB-related condition; FLNB-related disorders. Identifiers: MedGen CN381095.

Submissions (4):

GeneDx
Classification: Likely pathogenic. Last evaluated: 2026-08-04. Review status: criteria provided, single submitter. Criteria: GeneDx Variant Classification Process June 2021. Collection method: clinical testing. Allele origin: germline.
Comment: In-frame deletion of 1 amino acid(s) in a non-repeat region; Not observed at significant frequency in large population cohorts (gnomAD); In silico analysis supports a deleterious effect on protein structure/function; This variant is associated with the following publications: (PMID: 36326072, Khan2024[Article], 34491919, 31836586)

Labcorp Genetics (formerly Invitae), Labcorp
Classification: Likely pathogenic. Last evaluated: 2025-09-02. Review status: criteria provided, single submitter. Criteria: Invitae Variant Classification Sherloc (09022015). Collection method: clinical testing. Allele origin: germline.
Comment: This variant, c.5375_5377del, results in the deletion of 1 amino acid(s) of the FLNB protein (p.Glu1792del), but otherwise preserves the integrity of the reading frame. This variant is present in population databases (no rsID available, gnomAD 0.002%). This variant has been observed in individuals with clinical features of Larsen syndrome (PMID: 31836586, 34491919; internal data). It has also been observed to segregate with disease in related individuals. This variant is also known as p.Glu1823del. ClinVar contains an entry for this variant (Variation ID: 599274). In summary, the currently available evidence indicates that the variant is pathogenic, but additional data are needed to prove that conclusively. Therefore, this variant has been classified as Likely Pathogenic.

PreventionGenetics, part of Exact Sciences
Classification: Uncertain significance for FLNB-related condition. Last evaluated: 2025-03-27. Review status: criteria provided, single submitter. Criteria: ACMG Guidelines, 2015. Collection method: clinical testing. Allele origin: germline.
Comment: The FLNB c.5375_5377delAGG variant is predicted to result in an in-frame deletion (p.Glu1792del). This variant, also known as c.5468_5470del (p.Glu1823del) in an alternate transcript (NM_001164317.1), has been reported to segregate with disease in individuals with clubfoot and features of Larsen syndrome; in two families incomplete penetrance was observed (Hickey et al. 2019. PubMed ID: 31836586; Quiggle et al. 2022. PubMed ID: 34491919). This variant is reported in 0.0018% of alleles in individuals of European (Non-Finnish) descent in gnomAD. Although we suspect that this variant may be pathogenic, at this time, the clinical significance of this variant is uncertain due to the absence of conclusive functional and genetic evidence.

Institute for Genomic Medicine, Nationwide Children's Hospital
Classification: Likely pathogenic for Knee dislocation; Patellar hypoplasia; Limited knee flexion/extension. Last evaluated: 2018-12-21. Review status: criteria provided, single submitter. Criteria: ACMG Guidelines, 2015. Collection method: research. Allele origin: maternal, paternal, unknown. Inheritance: Autosomal dominant inheritance. Affected: yes. Observed: 3 heterozygotes. Clinical features observed: Patella aplasia/hypoplasia (HP:0006498), Congenital knee dislocation (HP:0005191), Clubfoot (HP:0001762).
Comment: The c.5375_5377delAGG variant is a 3-bp deletion predicted to remove a highly conserved glutamic acid residue at position 1792 of the filamin B protein. This variant maps to one of numerous filamin domains in FLNB, but the local sequence context is not repetitive. Further, pathogenic mutations in two immediately adjacent filamin domains have been reported to the ClinVar database. In the gnomAD database, two out of 125,709 individuals are reported to be heterozygous for the c.5375_5377delAGG variant; however, only one of them has sequence data available for review. This variant segregates with disease in multiple affected family members. We therefore interpret it as likely pathogenic.

Literature cited by the submitters: PubMed 31836586 (cited by Labcorp Genetics (formerly Invitae), Labcorp); PubMed 34491919 (cited by Labcorp Genetics (formerly Invitae), Labcorp).

NM_001457.4(FLNB):c.5375_5377del (p.Glu1792del)

Gene: FLNB (filamin B; plus strand). Cytogenetic location: 3p14.3.
Variant type: Deletion.
Coding change: c.5375_5377del on transcript NM_001457.4 (MANE Select); coding-DNA positions 5375 to 5377, 3 bases deleted (AGG; older notation c.5375_5377delAGG).
Protein change: p.Glu1792del; deletes glutamic acid 1792.
Molecular consequence: inframe deletion.
Genome position (GRCh38, 1-based): chr3:58,143,563-58,143,565, AGG deleted; deleting any 3 consecutive bases within chr3:58,143,562-58,143,565 gives the same sequence; the c. name uses the placement nearest the transcript's 3' end. VCF-style (leftmost placement, unchanged base first): chr3-58143561-TGAG-T. GRCh37 (hg19) VCF-style: chr3-58129288-TGAG-T.
Other names: c.5375_5377delAGG (NM_001457.3); c.5375_5377del (NM_001457.3); c.5468_5470del, p.Glu1823del (NM_001164317.2); c.5342_5344del, p.Glu1781del (NM_001164318.2); c.5303_5305del, p.Glu1768del (NM_001164319.2); short protein forms E1792del, E1781del, E1768del, E1823del.
Identifiers: ClinVar variation 599274 (VCV000599274.11), dbSNP rs1470699812, ClinGen allele CA543252407.
Genomic context (GRCh38, chr3:58,143,561, plus strand): 5'-AGCCACACCTGAGATTGTGGACAACAAGGACGGCACGGTCACTGTTAGATATGCCCCCAC[TGAG>T]GTCGGGCTCCATGAGATGCACATCAAATACATGGGCAGCCACATCCCTGGTAAGCTGAGT-3'